The following is an entry in ClinVar:

ClinVar aggregate classification (germline): Benign/Likely benign. Review status: criteria provided, multiple submitters, no conflicts (2 of 4 stars). 3 submissions from 3 submitters: Benign (1); Likely benign (2). Last evaluated 2025-05-19.

Conditions:
Familial adenomatous polyposis 1 (FAP1). Also called: FAMILIAL ADENOMATOUS POLYPOSIS 1, ATTENUATED; POLYPOSIS, ADENOMATOUS INTESTINAL. Identifiers: MedGen C2713442, MONDO:0021056, OMIM 175100. Disease mechanism: loss of function.
Hereditary cancer-predisposing syndrome. Also called: Neoplastic Syndromes, Hereditary; Tumor predisposition; Hereditary Cancer Syndrome; Hereditary neoplastic syndrome. Identifiers: Orphanet 140162, MedGen C0027672, MeSH D009386, MONDO:0015356.

Allele frequency attached by ClinVar (database versions not stated): gnomAD exomes below 0.00001.
gnomAD v4.1: 2 of 1,613,628 alleles (0.00012%); highest among the groups gnomAD compares: Non-Finnish European, 0.00017%; no homozygotes.

Submissions (3):

Labcorp Genetics (formerly Invitae), Labcorp
Classification: Likely benign for Familial adenomatous polyposis 1. Last evaluated: 2025-05-19. Review status: criteria provided, single submitter. Criteria: Invitae Variant Classification Sherloc (09022015). Collection method: clinical testing. Allele origin: germline.

Myriad Genetics, Inc.
Classification: Benign for Familial adenomatous polyposis 1. Last evaluated: 2024-03-22. Review status: criteria provided, single submitter. Criteria: Myriad Autosomal Dominant, Autosomal Recessive and X-Linked Classification Criteria (2023). Collection method: clinical testing. Allele origin: unknown.
Comment: This variant is considered benign. This variant is a silent/synonymous amino acid change and it is not expected to impact splicing.

Ambry Genetics
Classification: Likely benign for Hereditary cancer-predisposing syndrome. Last evaluated: 2017-09-13. Review status: criteria provided, single submitter. Criteria: Ambry Variant Classification Scheme 2023. Collection method: clinical testing. Allele origin: germline.

NM_000038.6(APC):c.3771A>G (p.Glu1257=)

Gene: APC (APC regulator of Wnt signaling pathway; plus strand). Cytogenetic location: 5q22.2.
Variant type: single nucleotide variant.
Coding change: c.3771A>G on transcript NM_000038.6 (MANE Select); coding-DNA position 3771, A replaced by G.
Protein change: p.Glu1257=; no amino-acid change (glutamic acid 1257 retained).
Molecular consequence: synonymous variant.
Genome position (GRCh38, 1-based): chr5:112,839,365, A>G. VCF-style: chr5-112839365-A-G. GRCh37 (hg19) VCF-style: chr5-112175062-A-G.
Other names: c.3771A>G, p.Glu1257= (NM_001127510.3, NM_001354895.2); c.3717A>G, p.Glu1239= (NM_001127511.3); c.3825A>G, p.Glu1275= (NM_001354896.2); c.3801A>G, p.Glu1267= (NM_001354897.2); c.3696A>G, p.Glu1232= (NM_001354898.2); c.3687A>G, p.Glu1229= (NM_001354899.2); c.3648A>G, p.Glu1216= (NM_001354900.2); c.3594A>G, p.Glu1198= (NM_001354901.2); and 5 more.
Identifiers: ClinVar variation 485163 (VCV000485163.8), dbSNP rs1554085294, ClinGen allele CA445963687.